The following is an entry in ClinVar:

NM_018834.6(MATR3):c.2538A>G (p.Glu846=)

Gene: MATR3 (matrin 3; plus strand). Cytogenetic location: 5q31.2.
Variant type: single nucleotide variant.
Coding change: c.2538A>G on transcript NM_018834.6 (MANE Select); coding-DNA position 2538, A replaced by G.
Protein change: p.Glu846=; no amino-acid change (glutamic acid 846 retained).
Molecular consequence: synonymous variant.
Genome position (GRCh38, 1-based): chr5:139,329,389, A>G. VCF-style: chr5-139329389-A-G. GRCh37 (hg19) VCF-style: chr5-138665078-A-G.
Other names: c.2538A>G, p.Glu846= (NM_001194954.2, NM_001194955.2, NM_199189.3); c.1674A>G, p.Glu558= (NM_001194956.2); c.1524A>G, p.Glu508= (NM_001282278.2).
Identifiers: ClinVar variation 772662 (VCV000772662.36), dbSNP rs747688305, ClinGen allele CA3433491.

ClinVar aggregate classification (germline): Likely benign. Review status: criteria provided, multiple submitters, no conflicts (2 of 4 stars). 3 submissions from 3 submitters: Likely benign (2). 1 of the submissions does not count toward it. Last evaluated 2025-08-11.

Conditions:
MATR3-related disorder. Also called: MATR3-related condition.
Amyotrophic lateral sclerosis type 21. Also called: VOCAL CORD AND PHARYNGEAL DYSFUNCTION WITH DISTAL MYOPATHY; MYOPATHY, DISTAL, 2. Identifiers: Orphanet 600, Orphanet 803, MedGen C3807521, MONDO:0011632, OMIM 606070.

Allele frequency attached by ClinVar (database versions not stated): gnomAD 0.00001; ExAC 0.00003; gnomAD exomes 0.00003 and 0.00016; TOPMed 0.00003.
gnomAD v4.1: 224 of 1,611,282 alleles (0.014%); highest among the groups gnomAD compares: Non-Finnish European, 0.019%; no homozygotes.

Submissions (3):

Labcorp Genetics (formerly Invitae), Labcorp
Classification: Likely benign for Amyotrophic lateral sclerosis type 21. Last evaluated: 2025-08-11. Review status: criteria provided, single submitter. Criteria: Invitae Variant Classification Sherloc (09022015). Collection method: clinical testing. Allele origin: germline.

CeGaT Center for Human Genetics Tuebingen
Classification: Likely benign. Last evaluated: 2022-12-01. Review status: criteria provided, single submitter. Criteria: CeGaT Center For Human Genetics Tuebingen Variant Classification Criteria Version 2. Collection method: clinical testing. Allele origin: germline. Affected: yes. Observed: 1 variant allele.
Comment: MATR3: BP4, BP7

PreventionGenetics, part of Exact Sciences
Classification: Likely benign for MATR3-related condition. Last evaluated: 2022-12-14. Review status: no assertion criteria provided. Collection method: clinical testing. Allele origin: germline. Not counted in ClinVar's aggregate classification.
Comment: This variant is classified as likely benign based on ACMG/AMP sequence variant interpretation guidelines (Richards et al. 2015 PMID: 25741868, with internal and published modifications).